The following is an entry in ClinVar:

ClinVar aggregate classification (germline): Uncertain significance. Review status: criteria provided, multiple submitters, no conflicts (2 of 4 stars). 2 submissions from 2 submitters: Uncertain significance (2). Last evaluated 2024-08-11.

Allele frequency attached by ClinVar (database versions not stated): gnomAD exomes 0.00002 and 0.00006; ExAC 0.00007; TOPMed 0.00022; gnomAD 0.00025 and 0.00026; ESP Exome Variant Server 0.00031.
gnomAD v4.1: 68 of 1,614,092 alleles (0.0042%); highest among the groups gnomAD compares: African/African-American, 0.088%; 1 homozygote.

Submissions (2):

Ambry Genetics
Classification: Uncertain significance. Last evaluated: 2024-08-11. Review status: criteria provided, single submitter. Criteria: Ambry Variant Classification Scheme 2023. Collection method: clinical testing. Allele origin: germline.

Labcorp Genetics (formerly Invitae), Labcorp
Classification: Uncertain significance. Last evaluated: 2021-03-16. Review status: criteria provided, single submitter. Criteria: Invitae Variant Classification Sherloc (09022015). Collection method: clinical testing. Allele origin: germline.
Comment: This variant has not been reported in the literature in individuals with ELMOD3-related conditions. In summary, the available evidence is currently insufficient to determine the role of this variant in disease. Therefore, it has been classified as a Variant of Uncertain Significance. Algorithms developed to predict the effect of missense changes on protein structure and function output the following: SIFT: "Tolerated"; PolyPhen-2: "Benign"; Align-GVGD: "Class C0". The tyrosine amino acid residue is found in multiple mammalian species, suggesting that this missense change does not adversely affect protein function. These predictions have not been confirmed by published functional studies and their clinical significance is uncertain. This variant is present in population databases (rs143405971, ExAC 0.08%). This sequence change replaces histidine with tyrosine at codon 297 of the ELMOD3 protein (p.His297Tyr). The histidine residue is moderately conserved and there is a moderate physicochemical difference between histidine and tyrosine.

NM_001135022.2(ELMOD3):c.889C>T (p.His297Tyr)

Gene: ELMOD3 (ELMO domain containing 3; plus strand). Cytogenetic location: 2p11.2.
Variant type: single nucleotide variant.
Coding change: c.889C>T on transcript NM_001135022.2 (MANE Select); coding-DNA position 889, C replaced by T.
Protein change: p.His297Tyr; replaces histidine 297 with tyrosine.
Molecular consequence: missense variant. On other transcripts: non-coding transcript variant (3).
Genome position (GRCh38, 1-based): chr2:85,390,211, C>T. VCF-style: chr2-85390211-C-T. GRCh37 (hg19) VCF-style: chr2-85617334-C-T.
Other names: c.889C>T, p.His297Tyr (NM_001135021.2, NM_001135023.2, NM_001329791.2 and 3 more transcripts); short protein forms H297Y.
Identifiers: ClinVar variation 1444482 (VCV001444482.9), dbSNP rs143405971, ClinGen allele CA1740538.
Genomic context (GRCh38, chr2:85,390,211, plus strand): 5'-CAGCAGAAGGTCATCCCCGTGGTGAACAGCTTCTATGCCGCCACATTCCTCCACCTCGCA[C>T]ATGTCTGGAGGACACAGCGGAAGACCATCTCAGACTCGGGCTTTGTCCTCAAAGGTGTGC-3'
Protein context (NP_001128494.1, residues 287-307): FYAATFLHLA[His297Tyr]VWRTQRKTIS